The following is an entry in ClinVar:

NM_012330.4(KAT6B):c.1732T>C (p.Ser578Pro)

Gene: KAT6B (lysine acetyltransferase 6B; plus strand). Cytogenetic location: 10q22.2.
Variant type: single nucleotide variant.
Coding change: c.1732T>C on transcript NM_012330.4 (MANE Select); coding-DNA position 1732, T replaced by C.
Protein change: p.Ser578Pro; replaces serine 578 with proline.
Molecular consequence: missense variant. On other transcripts: intron variant (13).
Genome position (GRCh38, 1-based): chr10:74,976,069, T>C. VCF-style: chr10-74976069-T-C. GRCh37 (hg19) VCF-style: chr10-76735827-T-C.
Other names: c.1732T>C, p.Ser578Pro (NM_001370136.1, NM_001370137.1); c.1117+615T>C (NM_001370139.1, NM_001370140.1, NM_001370141.1 and 3 more transcripts); c.1444+288T>C (NM_001370138.1, NM_001256468.2); c.846+6294T>C (NM_001370133.1); c.193-3155T>C (NM_001370134.1); c.929-1247T>C (NM_001370143.1, NM_001370144.1); c.193-12950T>C (NM_001370135.1); short protein forms S578P.
Identifiers: ClinVar variation 1446936 (VCV001446936.8), dbSNP rs2133729503, ClinGen allele CA377287989.
Genomic context (GRCh38, chr10:74,976,069, plus strand): 5'-CGCAAAAAGGGACACCCGAGTTATGCACCACCCAAACGTATGCGTCGTAAAACTGAATTA[T>C]CTTCCACGGCAAAATCTAAAGCCCACTTCTTTGGCAAAAGAGATATTAGAAGTCGGTTTA-3'
Protein context (NP_036462.2, residues 568-588): PKRMRRKTEL[Ser578Pro]STAKSKAHFF

ClinVar aggregate classification (germline): Uncertain significance (1 of 4 stars; one submission).

Conditions:
Genitopatellar syndrome (GTPTS). Also called: Genitopatellar syndrome (GPS); ABSENT PATELLAE, SCROTAL HYPOPLASIA, RENAL ANOMALIES, FACIAL DYSMORPHISM, AND MENTAL RETARDATION. Identifiers: Orphanet 85201, MedGen C1853566, MONDO:0011640, OMIM 606170.

Submission:

Labcorp Genetics (formerly Invitae), Labcorp
Classification: Uncertain significance for Genitopatellar syndrome. Last evaluated: 2022-06-28. Review status: criteria provided, single submitter. Criteria: Invitae Variant Classification Sherloc (09022015). Collection method: clinical testing. Allele origin: germline.
Comment: In summary, the available evidence is currently insufficient to determine the role of this variant in disease. Therefore, it has been classified as a Variant of Uncertain Significance. Algorithms developed to predict the effect of missense changes on protein structure and function output the following: SIFT: "Tolerated"; PolyPhen-2: "Benign"; Align-GVGD: "Class C0". The proline amino acid residue is found in multiple mammalian species, which suggests that this missense change does not adversely affect protein function. This variant has not been reported in the literature in individuals affected with KAT6B-related conditions. This variant is not present in population databases (gnomAD no frequency). This sequence change replaces serine, which is neutral and polar, with proline, which is neutral and non-polar, at codon 578 of the KAT6B protein (p.Ser578Pro).